The following is an entry in ClinVar:

NM_001358921.2(COQ2):c.333G>T (p.Met111Ile)

Gene: COQ2 (coenzyme Q2, polyprenyltransferase; minus strand). Cytogenetic location: 4q21.23.
Variant type: single nucleotide variant.
Coding change: c.333G>T on transcript NM_001358921.2 (MANE Select); coding-DNA position 333, G replaced by T.
Protein change: p.Met111Ile; replaces methionine 111 with isoleucine.
Molecular consequence: missense variant.
Genome position (GRCh38, 1-based): chr4:83,279,035, C>A on the plus strand (G>T on the coding strand, the complement: COQ2 is on the minus strand). VCF-style: chr4-83279035-C-A. GRCh37 (hg19) VCF-style: chr4-84200188-C-A.
Other names: c.483G>T, p.Met161Ile (NM_015697.9); short protein forms M111I, M161I.
Identifiers: ClinVar variation 1897906 (VCV001897906.30), dbSNP rs746163184, ClinGen allele CA2988626.

ClinVar aggregate classification (germline): Uncertain significance. Review status: criteria provided, multiple submitters, no conflicts (2 of 4 stars). 3 submissions from 3 submitters: Uncertain significance (3). Last evaluated 2024-03-21.

Allele frequency attached by ClinVar (database versions not stated): TOPMed below 0.00001; ExAC 0.00003; gnomAD exomes 0.00003.

Submissions (3):

Blueprint Genetics
Classification: Uncertain significance. Last evaluated: 2024-03-21. Review status: criteria provided, single submitter. Criteria: ACMG Guidelines, 2015. Collection method: clinical testing. Allele origin: germline.

CeGaT Center for Human Genetics Tuebingen
Classification: Uncertain significance. Last evaluated: 2023-03-01. Review status: criteria provided, single submitter. Criteria: CeGaT Center For Human Genetics Tuebingen Variant Classification Criteria Version 2. Collection method: clinical testing. Allele origin: germline. Affected: yes. Observed: 1 variant allele.
Comment: COQ2: PM2

Labcorp Genetics (formerly Invitae), Labcorp
Classification: Uncertain significance. Last evaluated: 2022-07-07. Review status: criteria provided, single submitter. Criteria: Invitae Variant Classification Sherloc (09022015). Collection method: clinical testing. Allele origin: germline.
Comment: The frequency data for this variant in the population databases is considered unreliable, as metrics indicate poor data quality at this position in the gnomAD database. This variant has not been reported in the literature in individuals affected with COQ2-related conditions. Algorithms developed to predict the effect of missense changes on protein structure and function are either unavailable or do not agree on the potential impact of this missense change (SIFT: "Deleterious"; PolyPhen-2: "Benign"; Align-GVGD: "Class C0"). In summary, the available evidence is currently insufficient to determine the role of this variant in disease. Therefore, it has been classified as a Variant of Uncertain Significance. This sequence change replaces methionine, which is neutral and non-polar, with isoleucine, which is neutral and non-polar, at codon 161 of the COQ2 protein (p.Met161Ile).